The following is an entry in ClinVar:

ClinVar aggregate classification (germline): Uncertain significance (1 of 4 stars; one submission).

Conditions:
Familial adenomatous polyposis 1 (FAP1). Also called: FAMILIAL ADENOMATOUS POLYPOSIS 1, ATTENUATED; POLYPOSIS, ADENOMATOUS INTESTINAL. Identifiers: MedGen C2713442, MONDO:0021056, OMIM 175100. Disease mechanism: loss of function.

gnomAD v4.1: 5 of 1,370,642 alleles (0.00036%); highest among the groups gnomAD compares: Middle Eastern, 0.077%; no homozygotes.

Submission:

Labcorp Genetics (formerly Invitae), Labcorp
Classification: Uncertain significance for Familial adenomatous polyposis 1. Last evaluated: 2025-10-23. Review status: criteria provided, single submitter. Criteria: Invitae Variant Classification Sherloc (09022015). Collection method: clinical testing. Allele origin: germline.
Comment: This variant occurs in a non-coding region of the APC gene. It does not change the encoded amino acid sequence of the APC protein. This variant is not present in population databases (gnomAD no frequency). This variant has not been reported in the literature in individuals affected with APC-related conditions. Experimental studies and prediction algorithms are not available or were not evaluated, and the functional significance of this variant is currently unknown. In summary, the available evidence is currently insufficient to determine the role of this variant in disease. Therefore, it has been classified as a Variant of Uncertain Significance.

NM_001127511.3(APC):c.66C>A (p.Leu22=)

Gene: APC (APC regulator of Wnt signaling pathway; plus strand). Cytogenetic location: 5q22.2.
Variant type: single nucleotide variant.
Coding change: c.66C>A on transcript NM_001127511.3; coding-DNA position 66, C replaced by A.
Protein change: p.Leu22=; no amino-acid change (leucine 22 retained).
Molecular consequence: synonymous variant. On other transcripts: 5 prime UTR variant (8), non-coding transcript variant (1), intron variant (5).
Genome position (GRCh38, 1-based): chr5:112,707,783, C>A. VCF-style: chr5-112707783-C-A. GRCh37 (hg19) VCF-style: chr5-112043480-C-A.
Other names: c.-118C>A (NM_001354895.2, NM_001407447.1, NM_001407452.1 and 3 more transcripts); c.66C>A, p.Leu22= (NM_001354897.2, NM_001354902.2, NM_001407446.1); c.-1153C>A (NM_001407470.1, NM_001407472.1); c.-19+134C>A (NM_001407448.1, NM_001407450.1, NM_001407457.1 and 1 more transcripts); c.-43+134C>A (NM_001407453.1).
Identifiers: ClinVar variation 1015097 (VCV001015097.9), dbSNP rs1422300065, ClinGen allele CA1573442721.